The following is an entry in ClinVar:

ClinVar aggregate classification (germline): Likely benign. Review status: criteria provided, multiple submitters, no conflicts (2 of 4 stars). 3 submissions from 3 submitters: Likely benign (3). Last evaluated 2025-12-15.

Conditions:
Cardiomyopathy (CMYO). Also called: Cardiomyopathies. Identifiers: Orphanet 167848, MedGen C0878544, MONDO:0004994, HP:0001638. Inheritance: Various modes of inheritance.
Hypertrophic cardiomyopathy. Also called: HYPERTROPHIC MYOCARDIOPATHY. Identifiers: Orphanet 217569, MedGen C0007194, MeSH D002312, MONDO:0005045, HP:0001639.

Allele frequency attached by ClinVar (database versions not stated): gnomAD 0.00001; gnomAD exomes 0.00001 and 0.00002; ExAC 0.00002; TOPMed 0.00002.

Submissions (3):

Labcorp Genetics (formerly Invitae), Labcorp
Classification: Likely benign for Hypertrophic cardiomyopathy. Last evaluated: 2025-12-15. Review status: criteria provided, single submitter. Criteria: Invitae Variant Classification Sherloc (09022015). Collection method: clinical testing. Allele origin: germline.

All of Us Research Program, National Institutes of Health
Classification: Likely benign for Cardiomyopathy. Last evaluated: 2024-08-13. Review status: criteria provided, single submitter. Criteria: ACMG Guidelines, 2015. Collection method: clinical testing. Allele origin: germline. Inheritance: Autosomal dominant inheritance. Observed: 3 variant alleles, 3 heterozygotes.
Comment: This study involves interpretation of variants in research participants for the purpose of population health screening. Participant phenotype was not available at the time of variant classification. Additional details can be found in publication PMID: 35346344, PMCID: PMC8962531

Color Diagnostics, LLC DBA Color Health
Classification: Likely benign for Cardiomyopathy. Last evaluated: 2019-11-19. Review status: criteria provided, single submitter. Criteria: ACMG Guidelines, 2015. Collection method: clinical testing. Allele origin: germline.

NM_000257.4(MYH7):c.2638C>T (p.Leu880=)

Genes: MYH7 (myosin heavy chain 7; minus strand), LOC126861898 (BRD4-independent group 4 enhancer GRCh37_chr14:23893609-23894808; plus strand). Cytogenetic location: 14q11.2.
Variant type: single nucleotide variant.
Coding change: c.2638C>T on transcript NM_000257.4 (MANE Select); coding-DNA position 2638, C replaced by T.
Protein change: p.Leu880=; no amino-acid change (leucine 880 retained).
Molecular consequence: synonymous variant.
Genome position (GRCh38, 1-based): chr14:23,424,810, G>A on the plus strand (C>T on the coding strand, the complement: MYH7 is on the minus strand). VCF-style: chr14-23424810-G-A. GRCh37 (hg19) VCF-style: chr14-23894019-G-A.
Identifiers: ClinVar variation 921833 (VCV000921833.12), dbSNP rs748621952, ClinGen allele CA033552.